The following is an entry in ClinVar:

ClinVar aggregate classification (germline): Uncertain significance (1 of 4 stars; one submission).

Conditions:
Hereditary cancer-predisposing syndrome. Also called: Neoplastic Syndromes, Hereditary; Tumor predisposition; Hereditary Cancer Syndrome; Hereditary neoplastic syndrome. Identifiers: Orphanet 140162, MedGen C0027672, MeSH D009386, MONDO:0015356.

Submission:

Ambry Genetics
Classification: Uncertain significance for Hereditary cancer-predisposing syndrome. Last evaluated: 2022-04-10. Review status: criteria provided, single submitter. Criteria: Ambry Variant Classification Scheme 2023. Collection method: clinical testing. Allele origin: germline.
Comment: The p.K66N variant (also known as c.198A>T), located in coding exon 4 of the MAX gene, results from an A to T substitution at nucleotide position 198. The lysine at codon 66 is replaced by asparagine, an amino acid with similar properties. This amino acid position is conserved. In addition, the in silico prediction for this alteration is inconclusive. Since supporting evidence is limited at this time, the clinical significance of this alteration remains unclear.

NM_002382.5(MAX):c.198A>T (p.Lys66Asn)

Gene: MAX (MYC associated transcriptional regulator X; minus strand). Cytogenetic location: 14q23.3.
Variant type: single nucleotide variant.
Coding change: c.198A>T on transcript NM_002382.5 (MANE Select); coding-DNA position 198, A replaced by T.
Protein change: p.Lys66Asn; replaces lysine 66 with asparagine.
Molecular consequence: missense variant. On other transcripts: 5 prime UTR variant (1), intron variant (2).
Genome position (GRCh38, 1-based): chr14:65,078,010, T>A on the plus strand (A>T on the coding strand, the complement: MAX is on the minus strand). VCF-style: chr14-65078010-T-A. GRCh37 (hg19) VCF-style: chr14-65544728-T-A.
Other names: c.-77A>T (NM_001320415.2, NM_001407105.1, NM_001407106.1 and 1 more transcripts); c.198A>T, p.Lys66Asn (NM_001407094.1, NM_001407096.1, NM_001407097.1 and 3 more transcripts); c.171A>T, p.Lys57Asn (NM_001407095.1, NM_001407099.1, NM_001407100.1 and 6 more transcripts); c.90A>T, p.Lys30Asn (NM_001407098.1); c.-170A>T (NM_001407111.1, NM_001407112.1); c.144+15698A>T (NM_001271069.2); c.171+15698A>T (NM_197957.4); short protein forms K66N, K30N, K57N.
Identifiers: ClinVar variation 1783924 (VCV001783924.2), dbSNP rs2139755378, ClinGen allele CA390035895.